The following is an entry in ClinVar:

NM_020699.4(GATAD2B):c.927G>C (p.Gln309His)

Gene: GATAD2B (GATA zinc finger domain containing 2B; minus strand). Cytogenetic location: 1q21.3.
Variant type: single nucleotide variant.
Coding change: c.927G>C on transcript NM_020699.4 (MANE Select); coding-DNA position 927, G replaced by C.
Protein change: p.Gln309His; replaces glutamine 309 with histidine.
Molecular consequence: missense variant.
Genome position (GRCh38, 1-based): chr1:153,816,562, C>G on the plus strand (G>C on the coding strand, the complement: GATAD2B is on the minus strand). VCF-style: chr1-153816562-C-G. GRCh37 (hg19) VCF-style: chr1-153789038-C-G.
Other names: short protein forms Q309H.
Identifiers: ClinVar variation 1721165 (VCV001721165.5), dbSNP rs2525248495, ClinGen allele CA342528245.

ClinVar aggregate classification (germline): Uncertain significance (1 of 4 stars; one submission).

Submission:

Labcorp Genetics (formerly Invitae), Labcorp
Classification: Uncertain significance. Last evaluated: 2022-10-07. Review status: criteria provided, single submitter. Criteria: Invitae Variant Classification Sherloc (09022015). Collection method: clinical testing. Allele origin: germline.
Comment: Advanced modeling of protein sequence and biophysical properties (such as structural, functional, and spatial information, amino acid conservation, physicochemical variation, residue mobility, and thermodynamic stability) performed at Invitae indicates that this missense variant is not expected to disrupt GATAD2B protein function. In summary, the available evidence is currently insufficient to determine the role of this variant in disease. Therefore, it has been classified as a Variant of Uncertain Significance. This variant has not been reported in the literature in individuals affected with GATAD2B-related conditions. This sequence change replaces glutamine, which is neutral and polar, with histidine, which is basic and polar, at codon 309 of the GATAD2B protein (p.Gln309His). This variant is not present in population databases (gnomAD no frequency).